The following is an entry in ClinVar:

NM_001292063.2(OTOG):c.7658G>C (p.Arg2553Pro)

Gene: OTOG (otogelin; plus strand). Cytogenetic location: 11p15.1.
Variant type: single nucleotide variant.
Coding change: c.7658G>C on transcript NM_001292063.2 (MANE Select); coding-DNA position 7658, G replaced by C.
Protein change: p.Arg2553Pro; replaces arginine 2553 with proline.
Molecular consequence: missense variant.
Genome position (GRCh38, 1-based): chr11:17,635,152, G>C. VCF-style: chr11-17635152-G-C. GRCh37 (hg19) VCF-style: chr11-17656699-G-C.
Other names: c.7694G>C, p.Arg2565Pro (NM_001277269.2); short protein forms R2565P, R2553P.
Identifiers: ClinVar variation 517352 (VCV000517352.12), dbSNP rs563003848, ClinGen allele CA5906158.

ClinVar aggregate classification (germline): Uncertain significance. Review status: criteria provided, multiple submitters, no conflicts (2 of 4 stars). 6 submissions from 6 submitters: Uncertain significance (6). Last evaluated 2026-04-07.

Conditions:
OTOG-related disorder. Also called: OTOG-related condition.
Autosomal recessive nonsyndromic hearing loss 18B. Also called: Deafness, autosomal recessive 18b. Identifiers: Orphanet 90636, MedGen C3554163, MONDO:0013985, OMIM 614945.

Allele frequency attached by ClinVar (database versions not stated): 1000 Genomes Project 0.00020; TOPMed 0.00025; gnomAD 0.00026; 1000 Genomes Project 30x 0.00047.
gnomAD v4.1: 329 of 1,547,980 alleles (0.021%); highest among the groups gnomAD compares: Admixed American, 0.037%; no homozygotes.

Submissions (6):

PreventionGenetics, part of Exact Sciences
Classification: Uncertain significance for OTOG-related condition. Last evaluated: 2026-04-07. Review status: criteria provided, single submitter. Criteria: ACMG Guidelines, 2015. Collection method: clinical testing. Allele origin: germline.
Comment: The OTOG c.7694G>C variant is predicted to result in the amino acid substitution p.Arg2565Pro. To our knowledge, this variant has not been reported in the literature. This variant is reported in 0.051% of alleles in individuals of Latino descent in gnomAD. Although we suspect that this variant may be benign, at this time, the clinical significance of this variant is uncertain due to the absence of conclusive functional and genetic evidence.

Labcorp Genetics (formerly Invitae), Labcorp
Classification: Uncertain significance. Last evaluated: 2026-01-12. Review status: criteria provided, single submitter. Criteria: Invitae Variant Classification Sherloc (09022015). Collection method: clinical testing. Allele origin: germline.
Comment: This sequence change replaces arginine, which is basic and polar, with proline, which is neutral and non-polar, at codon 2565 of the OTOG protein (p.Arg2565Pro). This variant is present in population databases (rs563003848, gnomAD 0.05%). This variant has not been reported in the literature in individuals affected with OTOG-related conditions. ClinVar contains an entry for this variant (Variation ID: 517352). An algorithm developed to predict the effect of missense changes on protein structure and function (PolyPhen-2) suggests that this variant is likely to be disruptive. In summary, the available evidence is currently insufficient to determine the role of this variant in disease. Therefore, it has been classified as a Variant of Uncertain Significance.

Blueprint Genetics
Classification: Uncertain significance. Last evaluated: 2024-10-30. Review status: criteria provided, single submitter. Criteria: ACMG Guidelines, 2015. Collection method: clinical testing. Allele origin: germline.

GeneDx
Classification: Uncertain significance. Last evaluated: 2022-06-01. Review status: criteria provided, single submitter. Criteria: GeneDx Variant Classification Process June 2021. Collection method: clinical testing. Allele origin: germline. Affected: yes.
Comment: In silico analysis supports that this missense variant has a deleterious effect on protein structure/function; Has not been previously published as pathogenic or benign to our knowledge

Baylor Genetics
Classification: Uncertain significance for Autosomal recessive nonsyndromic hearing loss 18B. Last evaluated: 2018-01-30. Review status: criteria provided, single submitter. Criteria: ACMG Guidelines, 2015. Collection method: clinical testing. Allele origin: paternal. Affected: yes.
Comment: This variant was determined to be of uncertain significance according to ACMG Guidelines, 2015 [PMID:25741868].

Laboratory for Molecular Medicine, Mass General Brigham Personalized Medicine
Classification: Uncertain significance. Last evaluated: 2017-04-13. Review status: criteria provided, single submitter. Criteria: LMM Criteria. Collection method: clinical testing. Allele origin: germline. Observed: 1 variant allele.
Comment: The p.Arg2565Pro variant in OTOG has not been previously reported in individuals with hearing loss, but has been identified in 13/24534 Latino chromosomes by th e Genome Aggregation Database (gnomAD; dbSNP r s563003848). Although this variant has been seen in the general population, its frequency is not high enough to rule out a pathogenic role. Computational predic tion tools and conservation analysis do not provide strong support for or agains t an impact to the protein. In summary, the clinical significance of the p.Arg25 65Pro variant is uncertain.